The following is an entry in ClinVar:

ClinVar aggregate classification (germline): Uncertain significance (1 of 4 stars; one submission).

gnomAD v4.1: 109 of 1,588,328 alleles (0.0069%); highest among the groups gnomAD compares: Non-Finnish European, 0.0086%; no homozygotes.

Submission:

GeneDx
Classification: Uncertain significance. Last evaluated: 2024-12-05. Review status: criteria provided, single submitter. Criteria: GeneDx Variant Classification Process June 2021. Collection method: clinical testing. Allele origin: germline. Affected: yes.
Comment: In silico analysis indicates that this missense variant does not alter protein structure/function; Has not been previously published as pathogenic or benign to our knowledge

NM_015465.5(GEMIN5):c.1291G>A (p.Ala431Thr)

Gene: GEMIN5 (gem nuclear organelle associated protein 5; minus strand). Cytogenetic location: 5q33.2.
Variant type: single nucleotide variant.
Coding change: c.1291G>A on transcript NM_015465.5 (MANE Select); coding-DNA position 1291, G replaced by A.
Protein change: p.Ala431Thr; replaces alanine 431 with threonine.
Molecular consequence: missense variant.
Genome position (GRCh38, 1-based): chr5:154,925,864, C>T on the plus strand (G>A on the coding strand, the complement: GEMIN5 is on the minus strand). VCF-style: chr5-154925864-C-T. GRCh37 (hg19) VCF-style: chr5-154305424-C-T.
Other names: c.1288G>A, p.Ala430Thr (NM_001252156.2); short protein forms A430T, A431T.
Identifiers: ClinVar variation 3901685 (VCV003901685.1).